The following is an entry in ClinVar:

ClinVar aggregate classification (germline): Uncertain significance (1 of 4 stars; one submission).

gnomAD v4.1: 7 of 1,613,812 alleles (0.00043%); highest among the groups gnomAD compares: Non-Finnish European, 0.00059%; no homozygotes.

Submission:

GeneDx
Classification: Uncertain significance. Last evaluated: 2020-01-07. Review status: criteria provided, single submitter. Criteria: GeneDx Variant Classification Process June 2021. Collection method: clinical testing. Allele origin: germline. Affected: yes.
Comment: Not observed in large population cohorts (Lek et al., 2016); In silico analysis, which includes protein predictors and evolutionary conservation, supports that this variant does not alter protein structure/function; Has not been previously published as pathogenic or benign to our knowledge

NM_018263.6(ASXL2):c.554G>A (p.Ser185Asn)

Gene: ASXL2 (ASXL transcriptional regulator 2; minus strand). Cytogenetic location: 2p23.3.
Variant type: single nucleotide variant.
Coding change: c.554G>A on transcript NM_018263.6 (MANE Select); coding-DNA position 554, G replaced by A.
Protein change: p.Ser185Asn; replaces serine 185 with asparagine.
Molecular consequence: missense variant. On other transcripts: 5 prime UTR variant (1).
Genome position (GRCh38, 1-based): chr2:25,768,819, C>T on the plus strand (G>A on the coding strand, the complement: ASXL2 is on the minus strand). VCF-style: chr2-25768819-C-T. GRCh37 (hg19) VCF-style: chr2-25991688-C-T.
Other names: c.380G>A, p.Ser127Asn (NM_001369346.1); c.-227G>A (NM_001369347.1); short protein forms S127N, S185N.
Identifiers: ClinVar variation 1302937 (VCV001302937.2), dbSNP rs2149153359, ClinGen allele CA346082365.